The following is an entry in ClinVar:

NM_007194.4(CHEK2):c.444+24C>T

Gene: CHEK2 (checkpoint kinase 2; minus strand). Cytogenetic location: 22q12.1.
Variant type: single nucleotide variant.
Coding change: c.444+24C>T on transcript NM_007194.4 (MANE Select); 24 bases into the intron after coding-DNA position 444, C replaced by T.
Molecular consequence: intron variant.
Genome position (GRCh38, 1-based): chr22:28,725,219, G>A on the plus strand (C>T on the coding strand, the complement: CHEK2 is on the minus strand). VCF-style: chr22-28725219-G-A. GRCh37 (hg19) VCF-style: chr22-29121207-G-A.
Other names: chr22:29,121,207G>A; c.-220+24C>T (NM_001437942.1); c.444+24C>T (NM_001349956.3, NM_145862.3); c.-334+24C>T (NM_001257387.3); c.537+24C>T (NM_001438295.1, NM_001438293.1); c.573+24C>T (NM_001438294.1, NM_001005735.3).
Identifiers: ClinVar variation 133278 (VCV000133278.9), dbSNP rs121908699, ClinGen allele CA232140.

ClinVar aggregate classification (germline): Likely benign. Review status: criteria provided, multiple submitters, no conflicts (2 of 4 stars). 5 submissions from 5 submitters: Likely benign (2). 3 of the submissions do not count toward it. Last evaluated 2025-03-04.

Allele frequency attached by ClinVar (database versions not stated): 1000 Genomes Project 0.00060; gnomAD exomes 0.00164 and 0.00123; 1000 Genomes Project 30x 0.00047; gnomAD 0.00107 and 0.00150; TOPMed 0.00150; ESP Exome Variant Server 0.00154; ExAC 0.00141.
gnomAD v4.1: 2,577 of 1,613,990 alleles (0.16%); highest among the groups gnomAD compares: Non-Finnish European, 0.19%; 4 homozygotes.

Submissions (5):

Center for Genomic Medicine, Rigshospitalet, Copenhagen University Hospital
Classification: Likely benign. Last evaluated: 2025-03-04. Review status: criteria provided, single submitter. Criteria: ACMG Guidelines, 2015. Collection method: clinical testing. Allele origin: germline.

Breakthrough Genomics
Classification: Likely benign. Review status: criteria provided, single submitter. Criteria: ACMG Guidelines, 2015. Collection method: not provided. Allele origin: germline. Inheritance: Autosomal dominant inheritance. Affected: yes.

Clinical Genetics DNA and cytogenetics Diagnostics Lab, Erasmus MC, Erasmus Medical Center
Classification: Likely benign. Review status: no assertion criteria provided. Collection method: clinical testing. Allele origin: germline. Affected: yes. Study: VKGL Data-share Consensus. Not counted in ClinVar's aggregate classification.

Clinical Genetics Laboratory, Department of Pathology, Netherlands Cancer Institute
Classification: Likely benign. Review status: no assertion criteria provided. Collection method: clinical testing. Allele origin: germline. Affected: yes. Study: VKGL Data-share Consensus. Not counted in ClinVar's aggregate classification.

Institute. of Biochemistry and Experimental Oncology, First Faculty of Medicine, Charles University in Prague
No classification provided. Review status: no classification provided. Collection method: not provided. Allele origin: germline. Not counted in ClinVar's aggregate classification.
Comment: Characterizted in 1 out of 673 breast cancer patients, 3 out of 631 colorecta&#314;cancer patients, 1 out of 259 pancreatic cancer patients, 1 out of 340 Non-Hodgkin lymphoma patients and in 1 out of 683 non cancer controls.